The following is an entry in ClinVar:

NM_006231.4(POLE):c.1526C>T (p.Ala509Val)

Gene: POLE (DNA polymerase epsilon, catalytic subunit; minus strand). Cytogenetic location: 12q24.33.
Variant type: single nucleotide variant.
Coding change: c.1526C>T on transcript NM_006231.4 (MANE Select); coding-DNA position 1526, C replaced by T.
Protein change: p.Ala509Val; replaces alanine 509 with valine.
Molecular consequence: missense variant.
Genome position (GRCh38, 1-based): chr12:132,672,787, G>A on the plus strand (C>T on the coding strand, the complement: POLE is on the minus strand). VCF-style: chr12-132672787-G-A. GRCh37 (hg19) VCF-style: chr12-133249373-G-A.
Other names: short protein forms A509V.
Identifiers: ClinVar variation 3781437 (VCV003781437.1).

ClinVar aggregate classification (germline): Uncertain significance (1 of 4 stars; one submission).

Conditions:
Hereditary cancer-predisposing syndrome. Also called: Neoplastic Syndromes, Hereditary; Hereditary Cancer Syndrome; Tumor predisposition; Hereditary neoplastic syndrome. Identifiers: Orphanet 140162, MedGen C0027672, MeSH D009386, MONDO:0015356.

Submission:

Ambry Genetics
Classification: Uncertain significance for Hereditary cancer-predisposing syndrome. Last evaluated: 2025-02-26. Review status: criteria provided, single submitter. Criteria: Ambry Variant Classification Scheme 2023. Collection method: clinical testing. Allele origin: germline.
Comment: The p.A509V variant (also known as c.1526C>T), located in coding exon 15 of the POLE gene, results from a C to T substitution at nucleotide position 1526. The alanine at codon 509 is replaced by valine, an amino acid with similar properties. This amino acid position is highly conserved in available vertebrate species. In addition, this alteration is predicted to be deleterious by in silico analysis. Based on the available evidence, the clinical significance of this variant remains unclear.